The following is an entry in ClinVar:

ClinVar aggregate classification (germline): Conflicting classifications of pathogenicity. Review status: criteria provided, conflicting classifications (1 of 4 stars). 3 submissions from 3 submitters: Uncertain significance (2); Likely benign (1). Last evaluated 2025-07-24.

Conditions:
BBS2-related disorder. Also called: BBS2-related condition; BBS2-related disorders. Identifiers: MedGen CN239228.
Bardet-Biedl syndrome (BBS). Identifiers: Orphanet 110, MedGen C0752166, MONDO:0015229.

Allele frequency attached by ClinVar (database versions not stated): TOPMed 0.00002; ESP Exome Variant Server 0.00008; gnomAD exomes 0.00009; gnomAD 0.00011; ExAC 0.00018.
gnomAD v4.1: 157 of 1,613,978 alleles (0.0097%); highest among the groups gnomAD compares: Non-Finnish European, 0.0012%; no homozygotes.

Submissions (3):

PreventionGenetics, part of Exact Sciences
Classification: Uncertain significance for BBS2-related condition. Last evaluated: 2025-07-24. Review status: criteria provided, single submitter. Criteria: ACMG Guidelines, 2015. Collection method: clinical testing. Allele origin: germline.
Comment: The BBS2 c.217C>G variant is predicted to result in the amino acid substitution p.Gln73Glu. To our knowledge, this variant has not been reported in the literature. This variant is reported in 0.14% of alleles in individuals of European (Finnish) descent in gnomAD. Although we suspect that this variant may be benign, at this time, the clinical significance of this variant is uncertain due to the absence of conclusive functional and genetic evidence.

Labcorp Genetics (formerly Invitae), Labcorp
Classification: Likely benign for Bardet-Biedl syndrome. Last evaluated: 2023-12-15. Review status: criteria provided, single submitter. Criteria: Invitae Variant Classification Sherloc (09022015). Collection method: clinical testing. Allele origin: germline.

Blueprint Genetics
Classification: Uncertain significance. Last evaluated: 2023-10-27. Review status: criteria provided, single submitter. Criteria: ACMG Guidelines, 2015. Collection method: clinical testing. Allele origin: germline.

NM_031885.5(BBS2):c.217C>G (p.Gln73Glu)

Gene: BBS2 (Bardet-Biedl syndrome 2; minus strand). Cytogenetic location: 16q13.
Variant type: single nucleotide variant.
Coding change: c.217C>G on transcript NM_031885.5 (MANE Select); coding-DNA position 217, C replaced by G.
Protein change: p.Gln73Glu; replaces glutamine 73 with glutamic acid.
Molecular consequence: missense variant. On other transcripts: non-coding transcript variant (5).
Genome position (GRCh38, 1-based): chr16:56,514,581, G>C on the plus strand (C>G on the coding strand, the complement: BBS2 is on the minus strand). VCF-style: chr16-56514581-G-C. GRCh37 (hg19) VCF-style: chr16-56548493-G-C.
Other names: c.217C>G (NM_031885.3); c.217C>G, p.Gln73Glu (NM_001377456.1); short protein forms Q73E.
Identifiers: ClinVar variation 2155037 (VCV002155037.6), dbSNP rs199940492, ClinGen allele CA8066095.